The following is an entry in ClinVar:

ClinVar aggregate classification (germline): Pathogenic (1 of 4 stars; one submission).

Conditions:
Spastic paraplegia. Identifiers: MedGen C0037772, HP:0001258.

Submission:

Labcorp Genetics (formerly Invitae), Labcorp
Classification: Pathogenic for Spastic paraplegia. Last evaluated: 2024-04-16. Review status: criteria provided, single submitter. Criteria: Invitae Variant Classification Sherloc (09022015). Collection method: clinical testing. Allele origin: germline.
Comment: This sequence change creates a premature translational stop signal (p.Arg390Glyfs*40) in the KDM5C gene. It is expected to result in an absent or disrupted protein product. Loss-of-function variants in KDM5C are known to be pathogenic (PMID: 15586325, 18697827). This variant is not present in population databases (gnomAD no frequency). This variant has not been reported in the literature in individuals affected with KDM5C-related conditions. For these reasons, this variant has been classified as Pathogenic.

Literature cited by the submitters: PubMed 15586325; PubMed 18697827.

NM_004187.5(KDM5C):c.1168del (p.Arg390fs)

Gene: KDM5C (lysine demethylase 5C; minus strand). Cytogenetic location: Xp11.22.
Variant type: Deletion.
Coding change: c.1168del on transcript NM_004187.5 (MANE Select); coding-DNA position 1168, one base deleted (C; older notation c.1168delC).
Protein change: p.Arg390fs; shifts the reading frame from arginine 390.
Molecular consequence: frameshift variant. On other transcripts: non-coding transcript variant (3).
Genome position (GRCh38, 1-based): chrX:53,211,861, G deleted on the plus strand (C on the coding strand, the reverse complement: KDM5C is on the minus strand); the first of 3 consecutive G bases (chrX:53,211,861-53,211,863); deleting any one gives the same sequence. VCF-style (leftmost placement, unchanged base first): chrX-53211860-CG-C. GRCh37 (hg19) VCF-style: chrX-53241042-CG-C.
Other names: c.967del, p.Arg323fs (NM_001146702.2); c.1165del, p.Arg389fs (NM_001282622.3, NM_001353979.2, NM_001353982.2); c.1168del, p.Arg390fs (NM_001353978.3, NM_001353981.2, NM_001353984.2); short protein forms R323fs, R390fs, R389fs.
Identifiers: ClinVar variation 3646107 (VCV003646107.2).
Genomic context (GRCh38, chrX:53,211,860, plus strand): 5'-TTGAAGTAGTCAGCTTTAAAGGAGTCGGCCATCTCGCCAAAGCTCTGCAGAGTGTATTCC[CG>C]GGTAGCCTGCTCAAAGCCAAAGGCTTCTGGGGGCCGCTTACACTCCTGAAACCCAAAGGA-3'